The following is an entry in ClinVar:

ClinVar aggregate classification (germline): Uncertain significance (0 of 4 stars; one submission).

Conditions:
CHD2-related disorder. Also called: CHD2-related condition.

Submission:

PreventionGenetics, part of Exact Sciences
Classification: Uncertain significance for CHD2-related condition. Last evaluated: 2024-01-12. Review status: no assertion criteria provided. Collection method: clinical testing. Allele origin: germline.
Comment: The CHD2 c.5402C>G variant is predicted to result in premature protein termination (p.Ser1801*). This variant resides in the terminal exon and it is unclear if the resulting mRNA would undergo nonsense-mediated decay. To our knowledge, this variant has not been reported in the literature or in a large population database, indicating this variant is rare. Although we suspect that this variant may be pathogenic, at this time, the clinical significance of this variant is uncertain due to the absence of conclusive functional and genetic evidence.

NM_001271.4(CHD2):c.5402C>G (p.Ser1801Ter)

Gene: CHD2 (chromodomain helicase DNA binding protein 2; plus strand). Cytogenetic location: 15q26.1.
Variant type: single nucleotide variant.
Coding change: c.5402C>G on transcript NM_001271.4 (MANE Select); coding-DNA position 5402, C replaced by G.
Protein change: p.Ser1801Ter; replaces serine 1801 with a stop codon.
Molecular consequence: nonsense.
Genome position (GRCh38, 1-based): chr15:93,024,620, C>G. VCF-style: chr15-93024620-C-G. GRCh37 (hg19) VCF-style: chr15-93567850-C-G.
Other names: short protein forms S1801*.
Identifiers: ClinVar variation 3031124 (VCV003031124.2), dbSNP rs2505651047, ClinGen allele CA393908706.